The following is an entry in ClinVar:

ClinVar aggregate classification (germline): Uncertain significance. Review status: criteria provided, multiple submitters, no conflicts (2 of 4 stars). 2 submissions from 2 submitters: Uncertain significance (2). Last evaluated 2026-07-06.

Conditions:
Tuberous sclerosis syndrome (TSC). Also called: Tuberous Sclerosis Complex; Tuberous sclerosis. Identifiers: Orphanet 805, MedGen C0041341, MONDO:0001734.
Hereditary cancer-predisposing syndrome. Also called: Tumor predisposition; Hereditary Cancer Syndrome; Hereditary neoplastic syndrome; Neoplastic Syndromes, Hereditary. Identifiers: Orphanet 140162, MedGen C0027672, MeSH D009386, MONDO:0015356.

Submissions (2):

Ambry Genetics
Classification: Uncertain significance for Hereditary cancer-predisposing syndrome. Last evaluated: 2026-07-06. Review status: criteria provided, single submitter. Criteria: Ambry Variant Classification Scheme 2023. Collection method: clinical testing. Allele origin: germline.
Comment: The p.D638V variant (also known as c.1913A>T), located in coding exon 13 of the TSC1 gene, results from an A to T substitution at nucleotide position 1913. The aspartic acid at codon 638 is replaced by valine, an amino acid with highly dissimilar properties. This amino acid position is conserved. In addition, the in silico prediction for this alteration is inconclusive. Based on the available evidence, the clinical significance of this variant remains unclear.

All of Us Research Program, National Institutes of Health
Classification: Uncertain significance for Tuberous sclerosis syndrome. Last evaluated: 2024-06-09. Review status: criteria provided, single submitter. Criteria: ACMG Guidelines, 2015. Collection method: clinical testing. Allele origin: germline. Inheritance: Autosomal dominant inheritance. Observed: 1 variant allele, 1 heterozygote.
Comment: This missense variant replaces aspartic acid with valine at codon 638 of the TSC1 protein. Computational prediction is inconclusive regarding the impact of this variant on protein structure and function (internally defined REVEL score threshold 0.5 < inconclusive < 0.7, PMID: 27666373). To our knowledge, functional studies have not been reported for this variant. This variant has not been reported in individuals affected with TSC1-related disorders in the literature. This variant has not been identified in the general population by the Genome Aggregation Database (gnomAD). The available evidence is insufficient to determine the role of this variant in disease conclusively. Therefore, this variant is classified as a Variant of Uncertain Significance.

This study involves interpretation of variants in research participants for the purpose of population health screening. Participant phenotype was not available at the time of variant classification. Additional details can be found in publication PMID: 35346344, PMCID: PMC8962531

NM_000368.5(TSC1):c.1913A>T (p.Asp638Val)

Gene: TSC1 (TSC complex subunit 1; minus strand). Cytogenetic location: 9q34.13.
Variant type: single nucleotide variant.
Coding change: c.1913A>T on transcript NM_000368.5 (MANE Select); coding-DNA position 1913, A replaced by T.
Protein change: p.Asp638Val; replaces aspartic acid 638 with valine.
Molecular consequence: missense variant. On other transcripts: non-coding transcript variant (5).
Genome position (GRCh38, 1-based): chr9:132,905,665, T>A on the plus strand (A>T on the coding strand, the complement: TSC1 is on the minus strand). VCF-style: chr9-132905665-T-A. GRCh37 (hg19) VCF-style: chr9-135781052-T-A.
Other names: c.1757A>T, p.Asp586Val (NM_001406613.1, NM_001406611.1, NM_001406612.1); c.1550A>T, p.Asp517Val (NM_001406614.1, NM_001406615.1, NM_001406616.1 and 5 more transcripts); c.1547A>T, p.Asp516Val (NM_001406620.1, NM_001406621.1, NM_001406622.1 and 2 more transcripts); c.1910A>T, p.Asp637Val (NM_001162426.2, NM_001406597.1, NM_001406598.1 and 6 more transcripts); c.1760A>T, p.Asp587Val (NM_001162427.2, NM_001406610.1); c.1913A>T, p.Asp638Val (NM_001406592.1, NM_001406593.1, NM_001406594.1 and 7 more transcripts); c.962A>T, p.Asp321Val (NM_001406626.1); c.959A>T, p.Asp320Val (NM_001406627.1, NM_001406628.1); and 1 more; short protein forms D287V, D320V, D321V, D516V, D517V, D586V, D587V, D637V.
Identifiers: ClinVar variation 3386144 (VCV003386144.2).
Genomic context (GRCh38, chr9:132,905,665, plus strand): 5'-TCTGCTCCCTGCTGTATCAGTCTGTCCAGCACTTCCATTGGGGAGGTAGAGGGCACACCA[T>A]CTTCCTCTGTGTTTCCTTTTGCTTTCTTTAACAGCTCCTCAGTCTTCCTGATGACAAAAT-3'
Protein context (NP_000359.1, residues 628-648): LKKAKGNTEE[Asp638Val]GVPSTSPMEV